The following is an entry in ClinVar:

NM_004655.4(AXIN2):c.893A>G (p.Asn298Ser)

Gene: AXIN2 (axin 2; minus strand). Cytogenetic location: 17q24.1.
Variant type: single nucleotide variant.
Coding change: c.893A>G on transcript NM_004655.4 (MANE Select); coding-DNA position 893, A replaced by G.
Protein change: p.Asn298Ser; replaces asparagine 298 with serine.
Molecular consequence: missense variant.
Genome position (GRCh38, 1-based): chr17:65,549,583, T>C on the plus strand (A>G on the coding strand, the complement: AXIN2 is on the minus strand). VCF-style: chr17-65549583-T-C. GRCh37 (hg19) VCF-style: chr17-63545701-T-C.
Other names: c.893A>G, p.Asn298Ser (NM_001363813.1); c.893A>G (LRG_296t1); short protein forms N298S.
Identifiers: ClinVar variation 533203 (VCV000533203.16), dbSNP rs139274803, ClinGen allele CA8718950.

ClinVar aggregate classification (germline): Uncertain significance. Review status: criteria provided, multiple submitters, no conflicts (2 of 4 stars). 4 submissions from 4 submitters: Uncertain significance (4). Last evaluated 2026-04-11.

Conditions:
Colorectal cancer. Also called: Malignant Colorectal Neoplasm; Colorectal cancer, somatic. Identifiers: MedGen C0346629, MONDO:0005575, OMIM 114500.
Hereditary cancer-predisposing syndrome. Also called: Tumor predisposition; Hereditary neoplastic syndrome; Neoplastic Syndromes, Hereditary; Hereditary Cancer Syndrome. Identifiers: Orphanet 140162, MedGen C0027672, MeSH D009386, MONDO:0015356.
Oligodontia-cancer predisposition syndrome. Also called: TOOTH AGENESIS-COLORECTAL CANCER SYNDROME. Identifiers: Orphanet 300576, MedGen C1837750, MONDO:0012075, OMIM 608615. Disease mechanism: loss of function.

Allele frequency attached by ClinVar (database versions not stated): ExAC 0.00001; gnomAD exomes below 0.00001; gnomAD 0.00001 and 0.00003; TOPMed 0.00003; ESP Exome Variant Server 0.00008.
gnomAD v4.1: 5 of 1,608,696 alleles (0.00031%); highest among the groups gnomAD compares: Admixed American, 0.0034%; no homozygotes.

Submissions (4):

Ambry Genetics
Classification: Uncertain significance for Hereditary cancer-predisposing syndrome. Last evaluated: 2026-04-11. Review status: criteria provided, single submitter. Criteria: Ambry Variant Classification Scheme 2023. Collection method: clinical testing. Allele origin: germline.

Labcorp Genetics (formerly Invitae), Labcorp
Classification: Uncertain significance for Oligodontia-cancer predisposition syndrome. Last evaluated: 2025-07-21. Review status: criteria provided, single submitter. Criteria: Invitae Variant Classification Sherloc (09022015). Collection method: clinical testing. Allele origin: germline.
Comment: This sequence change replaces asparagine, which is neutral and polar, with serine, which is neutral and polar, at codon 298 of the AXIN2 protein (p.Asn298Ser). This variant is not present in population databases (gnomAD no frequency). This variant has not been reported in the literature in individuals affected with AXIN2-related conditions. ClinVar contains an entry for this variant (Variation ID: 533203). Invitae Evidence Modeling of protein sequence and biophysical properties (such as structural, functional, and spatial information, amino acid conservation, physicochemical variation, residue mobility, and thermodynamic stability) indicates that this missense variant is expected to disrupt AXIN2 protein function with a positive predictive value of 80%. In summary, the available evidence is currently insufficient to determine the role of this variant in disease. Therefore, it has been classified as a Variant of Uncertain Significance.

Center for Genomic Medicine, Rigshospitalet, Copenhagen University Hospital
Classification: Uncertain significance. Last evaluated: 2025-03-04. Review status: criteria provided, single submitter. Criteria: ACMG Guidelines, 2015. Collection method: clinical testing. Allele origin: germline.

Baylor Genetics
Classification: Uncertain significance for Colorectal cancer. Last evaluated: 2024-02-22. Review status: criteria provided, single submitter. Criteria: ACMG Guidelines, 2015. Collection method: clinical testing. Allele origin: unknown.